The following is an entry in ClinVar:

ClinVar aggregate classification (germline): Uncertain significance (1 of 4 stars; one submission).

Submission:

GeneDx
Classification: Uncertain significance. Last evaluated: 2023-11-01. Review status: criteria provided, single submitter. Criteria: GeneDx Variant Classification Process June 2021. Collection method: clinical testing. Allele origin: germline. Affected: yes.
Comment: Not observed at significant frequency in large population cohorts (gnomAD); In silico analysis supports that this missense variant does not alter protein structure/function; Has not been previously published as pathogenic or benign to our knowledge

NM_003184.4(TAF2):c.1357G>T (p.Ala453Ser)

Gene: TAF2 (TATA-box binding protein associated factor 2; minus strand). Cytogenetic location: 8q24.12.
Variant type: single nucleotide variant.
Coding change: c.1357G>T on transcript NM_003184.4 (MANE Select); coding-DNA position 1357, G replaced by T.
Protein change: p.Ala453Ser; replaces alanine 453 with serine.
Molecular consequence: missense variant.
Genome position (GRCh38, 1-based): chr8:119,791,380, C>A on the plus strand (G>T on the coding strand, the complement: TAF2 is on the minus strand). VCF-style: chr8-119791380-C-A. GRCh37 (hg19) VCF-style: chr8-120803620-C-A.
Other names: short protein forms A453S.
Identifiers: ClinVar variation 3363768 (VCV003363768.1).